The following is an entry in ClinVar:

ClinVar aggregate classification (germline): Uncertain significance (1 of 4 stars; one submission).

Conditions:
Microcephaly, normal intelligence and immunodeficiency (NBS). Also called: Immunodeficiency, microcephaly with normal intelligence; Nijmegen breakage syndrome; Ataxia telangiectasia variant V1; SEEMANOVA SYNDROME II; BERLIN BREAKAGE SYNDROME; IMMUNODEFICIENCY, MICROCEPHALY, AND CHROMOSOMAL INSTABILITY. Identifiers: Orphanet 647, MedGen C0398791, MONDO:0009623, OMIM 251260.

Submission:

Labcorp Genetics (formerly Invitae), Labcorp
Classification: Uncertain significance for Microcephaly, normal intelligence and immunodeficiency. Last evaluated: 2024-04-30. Review status: criteria provided, single submitter. Criteria: Invitae Variant Classification Sherloc (09022015). Collection method: clinical testing. Allele origin: germline.
Comment: This sequence change replaces isoleucine, which is neutral and non-polar, with lysine, which is basic and polar, at codon 558 of the NBN protein (p.Ile558Lys). This variant is not present in population databases (gnomAD no frequency). This variant has not been reported in the literature in individuals affected with NBN-related conditions. ClinVar contains an entry for this variant (Variation ID: 962472). An algorithm developed to predict the effect of missense changes on protein structure and function (PolyPhen-2) suggests that this variant is likely to be tolerated. In summary, the available evidence is currently insufficient to determine the role of this variant in disease. Therefore, it has been classified as a Variant of Uncertain Significance.

NM_002485.5(NBN):c.1673T>A (p.Ile558Lys)

Gene: NBN (nibrin; minus strand). Cytogenetic location: 8q21.3.
Variant type: single nucleotide variant.
Coding change: c.1673T>A on transcript NM_002485.5 (MANE Select); coding-DNA position 1673, T replaced by A.
Protein change: p.Ile558Lys; replaces isoleucine 558 with lysine.
Molecular consequence: missense variant.
Genome position (GRCh38, 1-based): chr8:89,953,416, A>T on the plus strand (T>A on the coding strand, the complement: NBN is on the minus strand). VCF-style: chr8-89953416-A-T. GRCh37 (hg19) VCF-style: chr8-90965644-A-T.
Other names: c.1427T>A, p.Ile476Lys (NM_001024688.3); short protein forms I476K, I558K.
Identifiers: ClinVar variation 962472 (VCV000962472.9), dbSNP rs1810537849, ClinGen allele CA371655349.